The following is an entry in ClinVar:

ClinVar aggregate classification (germline): Likely benign (1 of 4 stars; one submission).

gnomAD v4.1: 10,923 of 1,592,592 alleles (0.69%); highest among the groups gnomAD compares: Middle Eastern, 0.88%; 56 homozygotes.

Submission:

CeGaT Center for Human Genetics Tuebingen
Classification: Likely benign. Last evaluated: 2026-03-01. Review status: criteria provided, single submitter. Criteria: CeGaT Center For Human Genetics Tuebingen Variant Classification Criteria Version 2. Collection method: clinical testing. Allele origin: germline. Affected: yes. Observed: 6 variant alleles.
Comment: CAMSAP1: BP4, BS2

NM_015447.4(CAMSAP1):c.4527C>G (p.Ala1509=)

Gene: CAMSAP1 (calmodulin regulated spectrin associated protein 1; minus strand). Cytogenetic location: 9q34.3.
Variant type: single nucleotide variant.
Coding change: c.4527C>G on transcript NM_015447.4 (MANE Select); coding-DNA position 4527, C replaced by G.
Protein change: p.Ala1509=; no amino-acid change (alanine 1509 retained).
Molecular consequence: synonymous variant.
Genome position (GRCh38, 1-based): chr9:135,811,591, G>C on the plus strand (C>G on the coding strand, the complement: CAMSAP1 is on the minus strand). VCF-style: chr9-135811591-G-C. GRCh37 (hg19) VCF-style: chr9-138703437-G-C.
Other names: c.3693C>G, p.Ala1231= (NM_001411031.1).
Identifiers: ClinVar variation 3777773 (VCV003777773.7).